The following is an entry in ClinVar:

NM_000038.6(APC):c.6718T>C (p.Ser2240Pro)

Gene: APC (APC regulator of Wnt signaling pathway; plus strand). Cytogenetic location: 5q22.2.
Variant type: single nucleotide variant.
Coding change: c.6718T>C on transcript NM_000038.6 (MANE Select); coding-DNA position 6718, T replaced by C.
Protein change: p.Ser2240Pro; replaces serine 2240 with proline.
Molecular consequence: missense variant.
Genome position (GRCh38, 1-based): chr5:112,842,312, T>C. VCF-style: chr5-112842312-T-C. GRCh37 (hg19) VCF-style: chr5-112178009-T-C.
Other names: c.5869T>C, p.Ser1957Pro (NM_001354906.2); c.6718T>C, p.Ser2240Pro (NM_001127510.3, NM_001354895.2); c.6664T>C, p.Ser2222Pro (NM_001127511.3); c.6772T>C, p.Ser2258Pro (NM_001354896.2); c.6748T>C, p.Ser2250Pro (NM_001354897.2); c.6643T>C, p.Ser2215Pro (NM_001354898.2); c.6634T>C, p.Ser2212Pro (NM_001354899.2); c.6595T>C, p.Ser2199Pro (NM_001354900.2); and 5 more; short protein forms S1957P, S2212P, S2250P, S2080P, S2139P, S2199P, S2215P, S2149P.
Identifiers: ClinVar variation 1461236 (VCV001461236.6), dbSNP rs2149971440, ClinGen allele CA16036015.

ClinVar aggregate classification (germline): Uncertain significance (1 of 4 stars; one submission).

Conditions:
Familial adenomatous polyposis 1 (FAP1). Also called: FAMILIAL ADENOMATOUS POLYPOSIS 1, ATTENUATED; POLYPOSIS, ADENOMATOUS INTESTINAL. Identifiers: MedGen C2713442, MONDO:0021056, OMIM 175100. Disease mechanism: loss of function.

Submission:

Labcorp Genetics (formerly Invitae), Labcorp
Classification: Uncertain significance for Familial adenomatous polyposis 1. Last evaluated: 2022-07-19. Review status: criteria provided, single submitter. Criteria: Invitae Variant Classification Sherloc (09022015). Collection method: clinical testing. Allele origin: germline.
Comment: In summary, the available evidence is currently insufficient to determine the role of this variant in disease. Therefore, it has been classified as a Variant of Uncertain Significance. Algorithms developed to predict the effect of missense changes on protein structure and function are either unavailable or do not agree on the potential impact of this missense change (SIFT: "Deleterious"; PolyPhen-2: "Probably Damaging"; Align-GVGD: "Class C0"). ClinVar contains an entry for this variant (Variation ID: 1461236). This variant has not been reported in the literature in individuals affected with APC-related conditions. This variant is not present in population databases (gnomAD no frequency). This sequence change replaces serine, which is neutral and polar, with proline, which is neutral and non-polar, at codon 2240 of the APC protein (p.Ser2240Pro).